The following is an entry in ClinVar:

ClinVar aggregate classification (germline): Pathogenic. Review status: criteria provided, multiple submitters, no conflicts (2 of 4 stars). 3 submissions from 3 submitters: Pathogenic (3). Last evaluated 2024-11-20.

Conditions:
ACTA1-related disorder. Also called: ACTA1-related condition.
Actin accumulation myopathy (CMYO2A). Also called: Myopathy, actin, congenital, with cores; Nemaline myopathy 3, with intranuclear rods; CONGENITAL MYOPATHY 2A, TYPICAL, AUTOSOMAL DOMINANT; Nemaline myopathy type 3; Myopathy, actin, congenital, with excess of thin myofilaments. Identifiers: Orphanet 98904, MedGen C3711389, MONDO:0008070, OMIM 161800.

Submissions (3):

Blueprint Genetics
Classification: Pathogenic for ACTA1-related disorders. Last evaluated: 2024-11-20. Review status: criteria provided, single submitter. Criteria: ACMG Guidelines, 2015. Collection method: clinical testing. Allele origin: germline. Affected: yes. Observed: 1 variant allele.

GeneDx
Classification: Pathogenic. Last evaluated: 2024-11-11. Review status: criteria provided, single submitter. Criteria: GeneDx Variant Classification Process June 2021. Collection method: clinical testing. Allele origin: germline. Affected: yes.
Comment: Missense variants in this gene are a common cause of disease and they are underrepresented in the general population; Not observed at significant frequency in large population cohorts (gnomAD); In silico analysis supports that this missense variant has a deleterious effect on protein structure/function; This variant is associated with the following publications: (PMID: 21514153, 28416349, 35810298)

Labcorp Genetics (formerly Invitae), Labcorp
Classification: Pathogenic for Actin accumulation myopathy. Last evaluated: 2023-11-27. Review status: criteria provided, single submitter. Criteria: Invitae Variant Classification Sherloc (09022015). Collection method: clinical testing. Allele origin: germline.
Comment: This sequence change replaces asparagine, which is neutral and polar, with lysine, which is basic and polar, at codon 94 of the ACTA1 protein (p.Asn94Lys). This variant is not present in population databases (gnomAD no frequency). This missense change has been observed in individual(s) with autosomal dominant congenital myopathy (PMID: 21514153, 28416349). In at least one individual the variant was observed to be de novo. ClinVar contains an entry for this variant (Variation ID: 948238). Advanced modeling of protein sequence and biophysical properties (such as structural, functional, and spatial information, amino acid conservation, physicochemical variation, residue mobility, and thermodynamic stability) performed at Invitae indicates that this missense variant is not expected to disrupt ACTA1 protein function with a negative predictive value of 80%. This variant disrupts the p.Asn94 amino acid residue in ACTA1. Other variant(s) that disrupt this residue have been observed in individuals with ACTA1-related conditions (PMID: 19562689), which suggests that this may be a clinically significant amino acid residue. For these reasons, this variant has been classified as Pathogenic.

Literature cited by the submitters: PubMed 21514153 (cited by Labcorp Genetics (formerly Invitae), Labcorp); PubMed 28416349 (cited by Labcorp Genetics (formerly Invitae), Labcorp); PubMed 19562689 (cited by Labcorp Genetics (formerly Invitae), Labcorp).

NM_001100.4(ACTA1):c.282C>A (p.Asn94Lys)

Gene: ACTA1 (actin alpha 1, skeletal muscle; minus strand). Cytogenetic location: 1q42.13.
Variant type: single nucleotide variant.
Coding change: c.282C>A on transcript NM_001100.4 (MANE Select); coding-DNA position 282, C replaced by A.
Protein change: p.Asn94Lys; replaces asparagine 94 with lysine.
Molecular consequence: missense variant.
Genome position (GRCh38, 1-based): chr1:229,432,728, G>T on the plus strand (C>A on the coding strand, the complement: ACTA1 is on the minus strand). VCF-style: chr1-229432728-G-T. GRCh37 (hg19) VCF-style: chr1-229568475-G-T.
Other names: short protein forms N94K.
Identifiers: ClinVar variation 948238 (VCV000948238.12), dbSNP rs772124885, ClinGen allele CA345150117.